The following is an entry in ClinVar:

ClinVar aggregate classification (germline): Pathogenic. Review status: criteria provided, multiple submitters, no conflicts (2 of 4 stars). 2 submissions from 2 submitters: Pathogenic (2). Last evaluated 2024-02-09.

Conditions:
Hereditary cancer-predisposing syndrome. Also called: Hereditary Cancer Syndrome; Neoplastic Syndromes, Hereditary; Hereditary neoplastic syndrome; Tumor predisposition. Identifiers: Orphanet 140162, MedGen C0027672, MeSH D009386, MONDO:0015356.
Familial cancer of breast. Also called: BREAST CANCER, FAMILIAL; Hereditary breast cancer; hereditary breast carcinoma. Identifiers: Orphanet 227535, MedGen C0346153, MONDO:0016419, OMIM 114480. Disease mechanism: loss of function.

Submissions (2):

Labcorp Genetics (formerly Invitae), Labcorp
Classification: Pathogenic for Familial cancer of breast. Last evaluated: 2024-02-09. Review status: criteria provided, single submitter. Criteria: Invitae Variant Classification Sherloc (09022015). Collection method: clinical testing. Allele origin: germline.
Comment: This sequence change creates a premature translational stop signal (p.Arg99Aspfs*6) in the BARD1 gene. It is expected to result in an absent or disrupted protein product. Loss-of-function variants in BARD1 are known to be pathogenic (PMID: 20077502, 21344236). This variant is not present in population databases (gnomAD no frequency). This variant has not been reported in the literature in individuals affected with BARD1-related conditions. ClinVar contains an entry for this variant (Variation ID: 2035867). For these reasons, this variant has been classified as Pathogenic.

Ambry Genetics
Classification: Pathogenic for Hereditary cancer-predisposing syndrome. Last evaluated: 2024-01-10. Review status: criteria provided, single submitter. Criteria: Ambry Variant Classification Scheme 2023. Collection method: clinical testing. Allele origin: germline.
Comment: The c.295delA pathogenic mutation, located in coding exon 3 of the BARD1 gene, results from a deletion of one nucleotide at nucleotide position 295, causing a translational frameshift with a predicted alternate stop codon (p.R99Dfs*6). This alteration is expected to result in loss of function by premature protein truncation or nonsense-mediated mRNA decay. As such, this alteration is interpreted as a disease-causing mutation.

Literature cited by the submitters: PubMed 20077502 (cited by Labcorp Genetics (formerly Invitae), Labcorp); PubMed 21344236 (cited by Labcorp Genetics (formerly Invitae), Labcorp).

NM_000465.4(BARD1):c.295del (p.Arg99fs)

Gene: BARD1 (BRCA1 associated RING domain 1; minus strand). Cytogenetic location: 2q35.
Variant type: Deletion.
Coding change: c.295del on transcript NM_000465.4 (MANE Select); coding-DNA position 295, one base deleted (A; older notation c.295delA).
Protein change: p.Arg99fs; shifts the reading frame from arginine 99.
Molecular consequence: frameshift variant. On other transcripts: non-coding transcript variant (1), intron variant (2).
Genome position (GRCh38, 1-based): chr2:214,792,366, T deleted on the plus strand (A on the coding strand, the reverse complement: BARD1 is on the minus strand). VCF-style (leftmost placement, unchanged base first): chr2-214792365-CT-C. GRCh37 (hg19) VCF-style: chr2-215657089-CT-C.
Other names: c.238del, p.Arg80fs (NM_001282543.2); c.295del, p.Arg99fs (NM_001282549.2); c.158+17046del (NM_001282548.2); c.215+4695del (NM_001282545.2); c.295delA (NM_000465.2); short protein forms R99fs, R80fs.
Identifiers: ClinVar variation 2035867 (VCV002035867.5), dbSNP rs2469560940, ClinGen allele CA2580065600.